The following is an entry in ClinVar:

ClinVar aggregate classification (germline): Uncertain significance (1 of 4 stars; one submission).

Allele frequency attached by ClinVar (database versions not stated): gnomAD exomes below 0.00001; ExAC 0.00001.
gnomAD v4.1: 1 of 1,614,080 alleles (0.000062%); highest among the groups gnomAD compares: Non-Finnish European, 0.000085%; no homozygotes.

Submission:

Labcorp Genetics (formerly Invitae), Labcorp
Classification: Uncertain significance. Last evaluated: 2022-03-18. Review status: criteria provided, single submitter. Criteria: Invitae Variant Classification Sherloc (09022015). Collection method: clinical testing. Allele origin: germline.
Comment: This sequence change replaces threonine, which is neutral and polar, with serine, which is neutral and polar, at codon 3394 of the FAT4 protein (p.Thr3394Ser). This variant is present in population databases (rs745467287, gnomAD 0.0009%). This variant has not been reported in the literature in individuals affected with FAT4-related conditions. Advanced modeling of protein sequence and biophysical properties (such as structural, functional, and spatial information, amino acid conservation, physicochemical variation, residue mobility, and thermodynamic stability) performed at Invitae indicates that this missense variant is not expected to disrupt FAT4 protein function. In summary, the available evidence is currently insufficient to determine the role of this variant in disease. Therefore, it has been classified as a Variant of Uncertain Significance.

NM_001291303.3(FAT4):c.10186A>T (p.Thr3396Ser)

Gene: FAT4 (FAT atypical cadherin 4; plus strand). Cytogenetic location: 4q28.1.
Variant type: single nucleotide variant.
Coding change: c.10186A>T on transcript NM_001291303.3 (MANE Select); coding-DNA position 10186, A replaced by T.
Protein change: p.Thr3396Ser; replaces threonine 3396 with serine.
Molecular consequence: missense variant.
Genome position (GRCh38, 1-based): chr4:125,451,196, A>T. VCF-style: chr4-125451196-A-T. GRCh37 (hg19) VCF-style: chr4-126372351-A-T.
Other names: c.10186A>T, p.Thr3396Ser (NM_001291285.3); c.10180A>T, p.Thr3394Ser (NM_024582.6); short protein forms T3396S, T3394S.
Identifiers: ClinVar variation 2113507 (VCV002113507.4), dbSNP rs745467287, ClinGen allele CA3073646.